The following is an entry in ClinVar:

ClinVar aggregate classification (germline): Likely pathogenic (1 of 4 stars; one submission).

Conditions:
Early-infantile DEE. Also called: Ohtahara syndrome; Early infantile epileptic encephalopathy; Early infantile epileptic encephalopathy with suppression bursts. Identifiers: Orphanet 1934, MedGen C0393706, MONDO:0800491.

Submission:

Labcorp Genetics (formerly Invitae), Labcorp
Classification: Likely pathogenic for Early-infantile DEE. Last evaluated: 2023-10-12. Review status: criteria provided, single submitter. Criteria: Invitae Variant Classification Sherloc (09022015). Collection method: clinical testing. Allele origin: germline.
Comment: This sequence change replaces aspartic acid, which is acidic and polar, with glycine, which is neutral and non-polar, at codon 273 of the GNAO1 protein (p.Asp273Gly). This variant is not present in population databases (gnomAD no frequency). This variant has not been reported in the literature in individuals affected with GNAO1-related conditions. Advanced modeling of protein sequence and biophysical properties (such as structural, functional, and spatial information, amino acid conservation, physicochemical variation, residue mobility, and thermodynamic stability) performed at Invitae indicates that this missense variant is expected to disrupt GNAO1 protein function. This variant disrupts the p.Asp273 amino acid residue in GNAO1. Other variant(s) that disrupt this residue have been determined to be pathogenic (PMID: 30642806, 30682224; Invitae). This suggests that this residue is clinically significant, and that variants that disrupt this residue are likely to be disease-causing. In summary, the currently available evidence indicates that the variant is pathogenic, but additional data are needed to prove that conclusively. Therefore, this variant has been classified as Likely Pathogenic.

Literature cited by the submitters: PubMed 30642806; PubMed 30682224.

NM_020988.3(GNAO1):c.818A>G (p.Asp273Gly)

Gene: GNAO1 (G protein subunit alpha o1; plus strand). Cytogenetic location: 16q13.
Variant type: single nucleotide variant.
Coding change: c.818A>G on transcript NM_020988.3 (MANE Select); coding-DNA position 818, A replaced by G.
Protein change: p.Asp273Gly; replaces aspartic acid 273 with glycine.
Molecular consequence: missense variant.
Genome position (GRCh38, 1-based): chr16:56,351,478, A>G. VCF-style: chr16-56351478-A-G. GRCh37 (hg19) VCF-style: chr16-56385390-A-G.
Other names: short protein forms D273G.
Identifiers: ClinVar variation 2767766 (VCV002767766.3), dbSNP rs2037920694, ClinGen allele CA395954802.